The following is an entry in ClinVar:

ClinVar aggregate classification (germline): Uncertain significance (1 of 4 stars; one submission).

Conditions:
Loeys-Dietz syndrome 4 (LDS4). Also called: TGFB2-Related Loeys-Dietz Syndrome; ANEURYSM, AORTIC AND CEREBRAL, WITH ARTERIAL TORTUOSITY AND SKELETAL MANIFESTATIONS. Identifiers: MedGen C3553762, MONDO:0013897, OMIM 614816.

Allele frequency attached by ClinVar (database versions not stated): gnomAD exomes below 0.00001; ExAC 0.00001; gnomAD 0.00001.
gnomAD v4.1: 2 of 1,609,142 alleles (0.00012%); highest among the groups gnomAD compares: East Asian, 0.0045%; no homozygotes.

Submission:

Labcorp Genetics (formerly Invitae), Labcorp
Classification: Uncertain significance for Loeys-Dietz syndrome 4. Last evaluated: 2023-05-07. Review status: criteria provided, single submitter. Criteria: Invitae Variant Classification Sherloc (09022015). Collection method: clinical testing. Allele origin: germline.
Comment: In summary, the available evidence is currently insufficient to determine the role of this variant in disease. Therefore, it has been classified as a Variant of Uncertain Significance. Algorithms developed to predict the effect of sequence changes on RNA splicing suggest that this variant may disrupt the consensus splice site. Advanced modeling of protein sequence and biophysical properties (such as structural, functional, and spatial information, amino acid conservation, physicochemical variation, residue mobility, and thermodynamic stability) performed at Invitae indicates that this missense variant is not expected to disrupt TGFB2 protein function. This variant has not been reported in the literature in individuals affected with TGFB2-related conditions. This variant is present in population databases (rs751816387, gnomAD 0.01%). This sequence change replaces alanine, which is neutral and non-polar, with valine, which is neutral and non-polar, at codon 248 of the TGFB2 protein (p.Ala248Val).

NM_003238.6(TGFB2):c.743C>T (p.Ala248Val)

Gene: TGFB2 (transforming growth factor beta 2; plus strand). Cytogenetic location: 1q41.
Variant type: single nucleotide variant.
Coding change: c.743C>T on transcript NM_003238.6 (MANE Select); coding-DNA position 743, C replaced by T.
Protein change: p.Ala248Val; replaces alanine 248 with valine.
Molecular consequence: missense variant. On other transcripts: non-coding transcript variant (2).
Genome position (GRCh38, 1-based): chr1:218,434,437, C>T. VCF-style: chr1-218434437-C-T. GRCh37 (hg19) VCF-style: chr1-218607779-C-T.
Other names: c.827C>T, p.Ala276Val (NM_001135599.4); short protein forms A276V, A248V.
Identifiers: ClinVar variation 2740857 (VCV002740857.1), dbSNP rs751816387, ClinGen allele CA1398588.